The following is an entry in ClinVar:

NM_003105.6(SORL1):c.4817A>G (p.His1606Arg)

Gene: SORL1 (sortilin related receptor 1; plus strand). Cytogenetic location: 11q24.1.
Variant type: single nucleotide variant.
Coding change: c.4817A>G on transcript NM_003105.6 (MANE Select); coding-DNA position 4817, A replaced by G.
Protein change: p.His1606Arg; replaces histidine 1606 with arginine.
Molecular consequence: missense variant.
Genome position (GRCh38, 1-based): chr11:121,605,440, A>G. VCF-style: chr11-121605440-A-G. GRCh37 (hg19) VCF-style: chr11-121476149-A-G.
Other names: c.4817A>G (NM_003105.5); short protein forms H1606R.
Identifiers: ClinVar variation 3006058 (VCV003006058.4), dbSNP rs754092667, ClinGen allele CA6329760.

ClinVar aggregate classification (germline): Uncertain significance. Review status: criteria provided, multiple submitters, no conflicts (2 of 4 stars). 2 submissions from 2 submitters: Uncertain significance (2). Last evaluated 2025-08-27.

Allele frequency attached by ClinVar (database versions not stated): ExAC 0.00001; gnomAD 0.00001; gnomAD exomes 0.00001; TOPMed 0.00001.
gnomAD v4.1: 9 of 1,613,836 alleles (0.00056%); highest among the groups gnomAD compares: Non-Finnish European, 0.00076%; no homozygotes.

Submissions (2):

Ambry Genetics
Classification: Uncertain significance. Last evaluated: 2025-08-27. Review status: criteria provided, single submitter. Criteria: Ambry Variant Classification Scheme 2023. Collection method: clinical testing. Allele origin: germline.

Labcorp Genetics (formerly Invitae), Labcorp
Classification: Uncertain significance. Last evaluated: 2024-02-12. Review status: criteria provided, single submitter. Criteria: Invitae Variant Classification Sherloc (09022015). Collection method: clinical testing. Allele origin: germline.
Comment: This sequence change replaces histidine, which is basic and polar, with arginine, which is basic and polar, at codon 1606 of the SORL1 protein (p.His1606Arg). This variant is present in population databases (rs754092667, gnomAD 0.0009%). This variant has not been reported in the literature in individuals affected with SORL1-related conditions. An algorithm developed to predict the effect of missense changes on protein structure and function (PolyPhen-2) suggests that this variant is likely to be disruptive. In summary, the available evidence is currently insufficient to determine the role of this variant in disease. Therefore, it has been classified as a Variant of Uncertain Significance.